The following is an entry in ClinVar:

ClinVar aggregate classification (germline): Likely benign. Review status: criteria provided, single submitter (1 of 4 stars). 2 submissions from 2 submitters: Likely benign (1). 1 of the submissions does not count toward it. Last evaluated 2022-10-24.

Conditions:
CACNA1F-related disorder. Also called: CACNA1F-related condition.

Allele frequency attached by ClinVar (database versions not stated): TOPMed 0.00002; ExAC 0.00003; gnomAD 0.00003; gnomAD exomes 0.00003.
gnomAD v4.1: 13 of 1,204,290 alleles (0.0011%); highest among the groups gnomAD compares: East Asian, 0.0059%; no homozygotes.

Submissions (2):

Labcorp Genetics (formerly Invitae), Labcorp
Classification: Likely benign. Last evaluated: 2022-10-24. Review status: criteria provided, single submitter. Criteria: Invitae Variant Classification Sherloc (09022015). Collection method: clinical testing. Allele origin: germline.

PreventionGenetics, part of Exact Sciences
Classification: Likely benign for CACNA1F-related condition. Last evaluated: 2019-11-12. Review status: no assertion criteria provided. Collection method: clinical testing. Allele origin: germline. Not counted in ClinVar's aggregate classification.
Comment: This variant is classified as likely benign based on ACMG/AMP sequence variant interpretation guidelines (Richards et al. 2015 PMID: 25741868, with internal and published modifications).

NM_001256789.3(CACNA1F):c.4014C>T (p.Phe1338=)

Gene: CACNA1F (calcium voltage-gated channel subunit alpha1 F; minus strand). Cytogenetic location: Xp11.23.
Variant type: single nucleotide variant.
Coding change: c.4014C>T on transcript NM_001256789.3 (MANE Select); coding-DNA position 4014, C replaced by T.
Protein change: p.Phe1338=; no amino-acid change (phenylalanine 1338 retained).
Molecular consequence: synonymous variant.
Genome position (GRCh38, 1-based): chrX:49,211,984, G>A on the plus strand (C>T on the coding strand, the complement: CACNA1F is on the minus strand). VCF-style: chrX-49211984-G-A. GRCh37 (hg19) VCF-style: chrX-49068444-G-A.
Other names: c.4047C>T (NM_005183.3); c.3852C>T, p.Phe1284= (NM_001256790.3); c.4047C>T, p.Phe1349= (NM_005183.4).
Identifiers: ClinVar variation 1561761 (VCV001561761.10), dbSNP rs781909111, ClinGen allele CA10410282.